The following is an entry in ClinVar:

NM_004985.5(KRAS):c.-158C>G

Genes: KRAS (KRAS proto-oncogene, GTPase; minus strand), LOC130007561 (ATAC-STARR-seq lymphoblastoid silent region 4294; plus strand). Cytogenetic location: 12p12.1.
Variant type: single nucleotide variant.
Coding change: c.-158C>G on transcript NM_004985.5 (MANE Select); 158 bases upstream of the start codon, C replaced by G.
Molecular consequence: 5 prime UTR variant.
Genome position (GRCh38, 1-based): chr12:25,250,897, G>C on the plus strand (C>G on the coding strand, the complement: KRAS is on the minus strand). VCF-style: chr12-25250897-G-C. GRCh37 (hg19) VCF-style: chr12-25403831-G-C.
Other names: c.-145C>G (NM_001369786.1, NM_001369787.1); c.-158C>G (NM_033360.4).
Identifiers: ClinVar variation 3344430 (VCV003344430.1).

ClinVar aggregate classification (germline): Likely benign (0 of 4 stars; one submission).

Conditions:
KRAS-related disorder. Also called: KRAS-related disorders; KRAS-related condition.

gnomAD v4.1: 1 of 247,076 alleles (0.0004%); highest among the groups gnomAD compares: African/African-American, 0.0023%; no homozygotes.

Submission:

PreventionGenetics, part of Exact Sciences
Classification: Likely benign for KRAS-related condition. Last evaluated: 2024-04-12. Review status: no assertion criteria provided. Collection method: clinical testing. Allele origin: germline.
Comment: This variant is classified as likely benign based on ACMG/AMP sequence variant interpretation guidelines (Richards et al. 2015 PMID: 25741868, with internal and published modifications).